The following is an entry in ClinVar:

NM_031407.7(HUWE1):c.4716G>T (p.Lys1572Asn)

Gene: HUWE1 (HECT, UBA and WWE domain containing E3 ubiquitin protein ligase 1; minus strand). Cytogenetic location: Xp11.22.
Variant type: single nucleotide variant.
Coding change: c.4716G>T on transcript NM_031407.7 (MANE Select); coding-DNA position 4716, G replaced by T.
Protein change: p.Lys1572Asn; replaces lysine 1572 with asparagine.
Molecular consequence: missense variant.
Genome position (GRCh38, 1-based): chrX:53,586,808, C>A on the plus strand (G>T on the coding strand, the complement: HUWE1 is on the minus strand). VCF-style: chrX-53586808-C-A. GRCh37 (hg19) VCF-style: chrX-53613768-C-A.
Other names: short protein forms K1572N.
Identifiers: ClinVar variation 3898625 (VCV003898625.7).

ClinVar aggregate classification (germline): Uncertain significance (1 of 4 stars; one submission).

Submission:

CeGaT Center for Human Genetics Tuebingen
Classification: Uncertain significance. Last evaluated: 2025-04-01. Review status: criteria provided, single submitter. Criteria: CeGaT Center For Human Genetics Tuebingen Variant Classification Criteria Version 2. Collection method: clinical testing. Allele origin: germline. Affected: yes. Observed: 1 variant allele.
Comment: HUWE1: PM2